The following is an entry in ClinVar:

ClinVar aggregate classification (germline): Pathogenic/Likely pathogenic. Review status: criteria provided, multiple submitters, no conflicts (2 of 4 stars). 4 submissions from 4 submitters: Pathogenic (3); Likely pathogenic (1). Last evaluated 2025-12-22.

Conditions:
Hereditary cancer-predisposing syndrome. Also called: Tumor predisposition; Hereditary Cancer Syndrome; Neoplastic Syndromes, Hereditary; Hereditary neoplastic syndrome. Identifiers: Orphanet 140162, MedGen C0027672, MeSH D009386, MONDO:0015356.
BAP1-related tumor predisposition syndrome (TPDS1). Also called: Tumor susceptibility linked to germline BAP1 mutations; BAP1 tumor predisposition syndrome; COMMON Syndrome; TUMOR PREDISPOSITION SYNDROME 1. Identifiers: Orphanet 289539, MedGen C3280492, MONDO:0013692, OMIM 614327.

Submissions (4):

Ambry Genetics
Classification: Pathogenic for Hereditary cancer-predisposing syndrome. Last evaluated: 2025-12-22. Review status: criteria provided, single submitter. Criteria: Ambry Variant Classification Scheme 2023. Collection method: clinical testing. Allele origin: germline.
Comment: The c.831dupA variant, located in coding exon 10 of the BAP1 gene, results from a duplication of A at nucleotide position 831, causing a translational frameshift with a predicted alternate stop codon (p.E278Rfs*6). This variant is considered to be rare based on population cohorts in the Genome Aggregation Database (gnomAD). This alteration is expected to result in loss of function by premature protein truncation or nonsense-mediated mRNA decay. As such, this alteration is interpreted as a disease-causing mutation.

Clinical Genetics Laboratory, Skane University Hospital Lund
Classification: Likely pathogenic for BAP1-related tumor predisposition syndrome. Last evaluated: 2025-06-24. Review status: criteria provided, single submitter. Criteria: ACMG Guidelines, 2015. Collection method: clinical testing. Allele origin: germline. Affected: yes.
Comment: ACMG criteria used: PVS1, PM2

Labcorp Genetics (formerly Invitae), Labcorp
Classification: Pathogenic for BAP1-related tumor predisposition syndrome. Last evaluated: 2025-03-07. Review status: criteria provided, single submitter. Criteria: Invitae Variant Classification Sherloc (09022015). Collection method: clinical testing. Allele origin: germline.
Comment: This sequence change creates a premature translational stop signal (p.Glu278Argfs*6) in the BAP1 gene. It is expected to result in an absent or disrupted protein product. Loss-of-function variants in BAP1 are known to be pathogenic (PMID: 21874000, 23684012). This variant is not present in population databases (gnomAD no frequency). This variant has not been reported in the literature in individuals affected with BAP1-related conditions. ClinVar contains an entry for this variant (Variation ID: 539903). Algorithms developed to predict the effect of sequence changes on RNA splicing suggest that this variant may disrupt the consensus splice site. For these reasons, this variant has been classified as Pathogenic.

Myriad Genetics, Inc.
Classification: Pathogenic for BAP1-related tumor predisposition syndrome. Last evaluated: 2024-02-21. Review status: criteria provided, single submitter. Criteria: Myriad Autosomal Dominant, Autosomal Recessive and X-Linked Classification Criteria (2023). Collection method: clinical testing. Allele origin: unknown.
Comment: This variant is considered pathogenic. This variant creates a frameshift predicted to result in premature protein truncation.

Literature cited by the submitters: PubMed 21874000 (cited by Labcorp Genetics (formerly Invitae), Labcorp); PubMed 23684012 (cited by Labcorp Genetics (formerly Invitae), Labcorp).

NM_004656.4(BAP1):c.831dup (p.Glu278fs)

Gene: BAP1 (BRCA1 associated deubiquitinase 1; minus strand). Cytogenetic location: 3p21.1.
Variant type: Duplication.
Coding change: c.831dup on transcript NM_004656.4 (MANE Select); coding-DNA position 831, one base duplicated (A; older notation c.831dupA).
Protein change: p.Glu278fs; shifts the reading frame from glutamic acid 278.
Molecular consequence: frameshift variant.
Genome position (GRCh38, 1-based): chr3:52,405,865, T duplicated on the plus strand (A on the coding strand, the reverse complement: BAP1 is on the minus strand); the first of 2 consecutive T bases (chr3:52,405,865-52,405,866); duplicating either gives the same sequence. VCF-style (leftmost placement, unchanged base first): chr3-52405864-C-CT. GRCh37 (hg19) VCF-style: chr3-52439880-C-CT.
Other names: c.831dupA (NM_004656.3); short protein forms E278fs.
Identifiers: ClinVar variation 539903 (VCV000539903.10), dbSNP rs1553645497, ClinGen allele CA658796334.